The following is an entry in ClinVar:

NM_022124.6(CDH23):c.7073G>A (p.Arg2358Gln)

Gene: CDH23 (cadherin related 23; plus strand). Cytogenetic location: 10q22.1.
Variant type: single nucleotide variant.
Coding change: c.7073G>A on transcript NM_022124.6 (MANE Select); coding-DNA position 7073, G replaced by A.
Protein change: p.Arg2358Gln; replaces arginine 2358 with glutamine.
Molecular consequence: missense variant.
Genome position (GRCh38, 1-based): chr10:71,799,129, G>A. VCF-style: chr10-71799129-G-A. GRCh37 (hg19) VCF-style: chr10-73558886-G-A.
Other names: p.R2358Q:CGG>CAG; c.353G>A, p.Arg118Gln (NM_001171933.1, NM_001171934.1); short protein forms R2358Q, R118Q.
Identifiers: ClinVar variation 46026 (VCV000046026.27), dbSNP rs4747194, ClinGen allele CA137561.
Genomic context (GRCh38, chr10:71,799,129, plus strand): 5'-TGAGGAGTGGCCAAAATGGCAGTGGGAGCCTCTGTGTCTTAGGGAAGGTCATTGCCAACC[G>A]GACAGTGGACTACGAGGAGGTGCACTGGCTCAACTTTACCGTGAGGGCCTCAGACAACGG-3'
Protein context (NP_071407.4, residues 2348-2368): DSSAGKVIAN[Arg2358Gln]TVDYEEVHWL

ClinVar aggregate classification (germline): Benign/Likely benign. Review status: criteria provided, multiple submitters, no conflicts (2 of 4 stars). 13 submissions from 11 submitters: Benign (11); Likely benign (1). 1 of the submissions does not count toward it. Last evaluated 2026-02-04.

Conditions:
Usher syndrome type 1 (USH1). Also called: RETINITIS PIGMENTOSA AND CONGENITAL DEAFNESS. Identifiers: Orphanet 231169, Orphanet 886, MedGen C1568247, MONDO:0010168, OMIM 276900.
Usher syndrome type 1D (USH1D). Also called: USHER SYNDROME, TYPE ID. Identifiers: Orphanet 231169, Orphanet 886, MedGen C1832845, MONDO:0010984, OMIM 601067.
Autosomal recessive nonsyndromic hearing loss 12. Also called: DEAFNESS, AUTOSOMAL RECESSIVE 12. Identifiers: Orphanet 90636, MedGen C1832394, MONDO:0011067, OMIM 601386.

Allele frequency attached by ClinVar (database versions not stated): gnomAD 0.28750 and 0.28536; gnomAD exomes 0.29164 and 0.31487; ExAC 0.30808; TOPMed 0.29179; ESP Exome Variant Server 0.26201; 1000 Genomes Project 0.34125; 1000 Genomes Project 30x 0.34010.
gnomAD v4.1: 469,813 of 1,613,004 alleles (29%); highest among the groups gnomAD compares: East Asian, 57%; 71,697 homozygotes.

Submissions (13):

Labcorp Genetics (formerly Invitae), Labcorp
Classification: Benign. Last evaluated: 2026-02-04. Review status: criteria provided, single submitter. Criteria: Invitae Variant Classification Sherloc (09022015). Collection method: clinical testing. Allele origin: germline.

Women's Health and Genetics/Laboratory Corporation of America, LabCorp
Classification: Likely benign. Last evaluated: 2025-11-14. Review status: criteria provided, single submitter. Criteria: LabCorp Variant Classification Summary - May 2015. Collection method: clinical testing. Allele origin: germline.

Genome-Nilou Lab
Classification: Benign for Usher syndrome type 1D. Last evaluated: 2021-07-01. Review status: criteria provided, single submitter. Criteria: ACMG Guidelines, 2015. Collection method: clinical testing. Allele origin: germline. Affected: no.

Genome-Nilou Lab
Classification: Benign for Autosomal recessive nonsyndromic hearing loss 12. Last evaluated: 2021-07-01. Review status: criteria provided, single submitter. Criteria: ACMG Guidelines, 2015. Collection method: clinical testing. Allele origin: germline. Affected: no.

Mayo Clinic Laboratories, Mayo Clinic
Classification: Benign. Last evaluated: 2020-10-01. Review status: criteria provided, single submitter. Criteria: ACMG Guidelines, 2015. Collection method: clinical testing. Allele origin: germline. Observed: 79 variant alleles.

Illumina Laboratory Services, Illumina
Classification: Benign for Autosomal recessive nonsyndromic hearing loss 12. Last evaluated: 2018-01-13. Review status: criteria provided, single submitter. Criteria: ICSL Variant Classification Criteria 13 December 2019. Collection method: clinical testing. Allele origin: germline.
Comment: This variant was observed in the ICSL laboratory as part of a predisposition screen in an ostensibly healthy population. It had not been previously curated by ICSL or reported in the Human Gene Mutation Database (HGMD: prior to June 1st, 2018), and was therefore a candidate for classification through an automated scoring system. Utilizing variant allele frequency, disease prevalence and penetrance estimates, and inheritance mode, an automated score was calculated to assess if this variant is too frequent to cause the disease. Based on the score and internal cut-off values, a variant classified as benign is not then subjected to further curation. The score for this variant resulted in a classification of benign for this disease.

Illumina Laboratory Services, Illumina
Classification: Benign for Usher syndrome type 1D. Last evaluated: 2018-01-13. Review status: criteria provided, single submitter. Criteria: ICSL Variant Classification Criteria 13 December 2019. Collection method: clinical testing. Allele origin: germline.
Comment: the same text as in the submission from Illumina Laboratory Services, Illumina above.

Eurofins Ntd Llc (ga)
Classification: Benign. Last evaluated: 2017-02-27. Review status: criteria provided, single submitter. Criteria: EGL Classification Definitions 2015. Collection method: clinical testing. Allele origin: germline. Observed: 2 variant alleles, 2 homozygotes.

GeneDx
Classification: Benign. Last evaluated: 2013-01-08. Review status: criteria provided, single submitter. Criteria: GeneDx Variant Classification (06012015). Collection method: clinical testing. Allele origin: germline. Affected: yes.
Comment: This variant is considered likely benign or benign based on one or more of the following criteria: it is a conservative change, it occurs at a poorly conserved position in the protein, it is predicted to be benign by multiple in silico algorithms, and/or has population frequency not consistent with disease.

Laboratory for Molecular Medicine, Mass General Brigham Personalized Medicine
Classification: Benign. Last evaluated: 2009-06-12. Review status: criteria provided, single submitter. Criteria: LMM Criteria. Collection method: clinical testing. Allele origin: germline. Observed: 1,067 variant alleles.

Breakthrough Genomics
Classification: Benign. Review status: criteria provided, single submitter. Criteria: ACMG Guidelines, 2015. Collection method: not provided. Allele origin: germline. Inheritance: Autosomal recessive inheritance. Affected: yes.

PreventionGenetics, part of Exact Sciences
Classification: Benign. Review status: criteria provided, single submitter. Criteria: ACMG Guidelines, 2015. Collection method: clinical testing. Allele origin: germline.

Natera, Inc.
Classification: Benign for Usher syndrome type 1. Last evaluated: 2020-09-16. Review status: no assertion criteria provided. Collection method: clinical testing. Allele origin: germline. Not counted in ClinVar's aggregate classification.